The following is an entry in ClinVar:

ClinVar aggregate classification (germline): Conflicting classifications of pathogenicity. Review status: criteria provided, conflicting classifications (1 of 4 stars). 6 submissions from 6 submitters: Uncertain significance (1); Likely benign (3). 2 of the submissions do not count toward it. Last evaluated 2025-12-10.

Conditions:
Leber congenital amaurosis (LCA). Also called: Leber's amaurosis. Identifiers: Orphanet 65, MedGen C0339527, MeSH D057130, MONDO:0018998.
CEP290-related disorder. Also called: CEP290-related disorders; CEP290-related condition. Identifiers: MedGen CN239314.
Nephronophthisis. Also called: Juvenile Nephronophthisis. Identifiers: Orphanet 655, MedGen C0687120, MONDO:0019005, HP:0000090.
Meckel-Gruber syndrome. Also called: GRUBER SYNDROME; Dysencephalia splachnocystica; DYSENCEPHALIA SPLANCHNOCYSTICA. Identifiers: Orphanet 564, MedGen C0265215, MONDO:0018921.
Joubert syndrome. Also called: JOUBERT-BOLTSHAUSER SYNDROME; Familial aplasia of the vermis. Identifiers: Orphanet 475, MedGen C5979921, MONDO:0018772.

Allele frequency attached by ClinVar (database versions not stated): gnomAD 0.00001; gnomAD exomes 0.00001 and 0.00008; TOPMed 0.00005; ExAC 0.00019.
gnomAD v4.1: 19 of 1,509,164 alleles (0.0013%); highest among the groups gnomAD compares: Admixed American, 0.043%; no homozygotes.

Submissions (6):

Labcorp Genetics (formerly Invitae), Labcorp
Classification: Likely benign for Joubert syndrome; Meckel-Gruber syndrome; Nephronophthisis. Last evaluated: 2025-12-10. Review status: criteria provided, single submitter. Criteria: Invitae Variant Classification Sherloc (09022015). Collection method: clinical testing. Allele origin: germline.

Blueprint Genetics
Classification: Likely benign. Last evaluated: 2019-10-30. Review status: criteria provided, single submitter. Criteria: ACMG Guidelines, 2015. Collection method: clinical testing. Allele origin: germline.

Eurofins Ntd Llc (ga)
Classification: Uncertain significance. Last evaluated: 2016-11-15. Review status: criteria provided, single submitter. Criteria: EGL Classification Definitions 2015. Collection method: clinical testing. Allele origin: germline. Observed: 1 variant allele, 1 heterozygote.

GeneDx
Classification: Likely benign. Last evaluated: 2016-08-08. Review status: criteria provided, single submitter. Criteria: GeneDx Variant Classification (06012015). Collection method: clinical testing. Allele origin: germline. Affected: yes.
Comment: This variant is considered likely benign or benign based on one or more of the following criteria: it is a conservative change, it occurs at a poorly conserved position in the protein, it is predicted to be benign by multiple in silico algorithms, and/or has population frequency not consistent with disease.

Natera, Inc.
Classification: Likely benign for Leber congenital amaurosis. Last evaluated: 2020-03-10. Review status: no assertion criteria provided. Collection method: clinical testing. Allele origin: germline. Not counted in ClinVar's aggregate classification.

PreventionGenetics, part of Exact Sciences
Classification: Likely benign for CEP290-related condition. Last evaluated: 2020-01-03. Review status: no assertion criteria provided. Collection method: clinical testing. Allele origin: germline. Not counted in ClinVar's aggregate classification.
Comment: This variant is classified as likely benign based on ACMG/AMP sequence variant interpretation guidelines (Richards et al. 2015 PMID: 25741868, with internal and published modifications).

NM_025114.4(CEP290):c.6132T>G (p.Pro2044=)

Gene: CEP290 (centrosomal protein 290; minus strand). Cytogenetic location: 12q21.32.
Variant type: single nucleotide variant.
Coding change: c.6132T>G on transcript NM_025114.4 (MANE Select); coding-DNA position 6132, T replaced by G.
Protein change: p.Pro2044=; no amino-acid change (proline 2044 retained).
Molecular consequence: synonymous variant.
Genome position (GRCh38, 1-based): chr12:88,068,525, A>C on the plus strand (T>G on the coding strand, the complement: CEP290 is on the minus strand). VCF-style: chr12-88068525-A-C. GRCh37 (hg19) VCF-style: chr12-88462302-A-C.
Identifiers: ClinVar variation 388319 (VCV000388319.19), dbSNP rs765002773, ClinGen allele CA6711569.